The following is an entry in ClinVar:

NM_000937.5(POLR2A):c.2173dup (p.Leu725fs)

Gene: POLR2A (RNA polymerase II subunit A; plus strand). Cytogenetic location: 17p13.1.
Variant type: Duplication.
Coding change: c.2173dup on transcript NM_000937.5 (MANE Select); coding-DNA position 2173, one base duplicated (C; older notation c.2173dupC).
Protein change: p.Leu725fs; shifts the reading frame from leucine 725.
Molecular consequence: frameshift variant.
Genome position (GRCh38, 1-based): chr17:7,501,553, C duplicated. VCF-style (leftmost placement, unchanged base first): chr17-7501552-G-GC. GRCh37 (hg19) VCF-style: chr17-7404871-G-GC.
Other names: short protein forms L725fs.
Identifiers: ClinVar variation 3766788 (VCV003766788.1).

ClinVar aggregate classification (germline): Likely pathogenic (1 of 4 stars; one submission).

Conditions:
Neurodevelopmental disorder with hypotonia and variable intellectual and behavioral abnormalities. Identifiers: MedGen C5231423, MONDO:0032829, OMIM 618603.

Submission:

ARUP Laboratories, Molecular Genetics and Genomics, ARUP Laboratories
Classification: Likely pathogenic for Neurodevelopmental disorder with hypotonia and variable intellectual and behavioral abnormalities. Last evaluated: 2024-08-17. Review status: criteria provided, single submitter. Criteria: ARUP Molecular Germline Variant Investigation Process 2024. Collection method: clinical testing. Allele origin: germline.
Comment: The POLR2A c.2173dup; p.Leu725ProfsTer14 variant, to our knowledge, is not reported in the medical literature or gene specific databases. This variant is also absent from the Genome Aggregation Database (v2.1.1), indicating it is not a common polymorphism. This variant causes a frameshift by inserting a single nucleotide, so it is predicted to result in a truncated protein or mRNA subject to nonsense-mediated decay. Based on available information, this variant is considered to be likely pathogenic.